The following is an entry in ClinVar:

ClinVar aggregate classification (germline): Uncertain significance. Review status: criteria provided, multiple submitters, no conflicts (2 of 4 stars). 2 submissions from 2 submitters: Uncertain significance (2). Last evaluated 2025-07-01.

Conditions:
Bethlem myopathy 1A. Also called: Bethlem Muscular Dystrophy; MYOPATHY, BENIGN CONGENITAL, WITH CONTRACTURES; Bethlem myopathy 1. Identifiers: Orphanet 610, MedGen CN029274, MONDO:0024530, OMIM 158810.

Submissions (2):

Labcorp Genetics (formerly Invitae), Labcorp
Classification: Uncertain significance for Bethlem myopathy 1A. Last evaluated: 2025-07-01. Review status: criteria provided, single submitter. Criteria: Invitae Variant Classification Sherloc (09022015). Collection method: clinical testing. Allele origin: germline.
Comment: This variant, c.1439_1450del, results in the deletion of 4 amino acid(s) of the COL6A3 protein (p.Asp480_Gln483del), but otherwise preserves the integrity of the reading frame. This variant is not present in population databases (gnomAD no frequency). This variant has not been reported in the literature in individuals affected with COL6A3-related conditions. ClinVar contains an entry for this variant (Variation ID: 1703909). Experimental studies and prediction algorithms are not available or were not evaluated, and the functional significance of this variant is currently unknown. In summary, the available evidence is currently insufficient to determine the role of this variant in disease. Therefore, it has been classified as a Variant of Uncertain Significance.

GeneDx
Classification: Uncertain significance. Last evaluated: 2022-02-14. Review status: criteria provided, single submitter. Criteria: GeneDx Variant Classification Process June 2021. Collection method: clinical testing. Allele origin: germline. Affected: yes.
Comment: Not observed at significant frequency in large population cohorts (gnomAD); In-frame deletion of four amino acids in a non-repeat region; Has not been previously published as pathogenic or benign to our knowledge

NM_004369.4(COL6A3):c.1439_1450del (p.Asp480_Gln483del)

Gene: COL6A3 (collagen type VI alpha 3 chain; minus strand). Cytogenetic location: 2q37.3.
Variant type: Deletion.
Coding change: c.1439_1450del on transcript NM_004369.4 (MANE Select); coding-DNA positions 1439 to 1450, 12 bases deleted (ATCTTATCCAGG).
Protein change: p.Asp480_Gln483del.
Molecular consequence: inframe deletion.
Genome position (GRCh38, 1-based): chr2:237,381,362-237,381,373, CCTGGATAAGAT deleted on the plus strand (ATCTTATCCAGG on the coding strand, the reverse complement: COL6A3 is on the minus strand); deleting any 12 consecutive bases within chr2:237,381,362-237,381,377 gives the same sequence; the c. name uses the placement nearest the transcript's 3' end. VCF-style (leftmost placement, unchanged base first): chr2-237381361-ACCTGGATAAGAT-A. GRCh37 (hg19) VCF-style: chr2-238290004-ACCTGGATAAGAT-A.
Other names: c.218_229del, p.Asp73_Gln76del (NM_057164.5, NM_057166.5); c.821_832del, p.Asp274_Gln277del (NM_057165.5, NM_057167.4).
Identifiers: ClinVar variation 1703909 (VCV001703909.3), dbSNP rs2078001339, ClinGen allele CA1337627373.